The following is an entry in ClinVar:

NM_024685.4(BBS10):c.1244del (p.His415fs)

Gene: BBS10 (Bardet-Biedl syndrome 10; minus strand). Cytogenetic location: 12q21.2.
Variant type: Deletion.
Coding change: c.1244del on transcript NM_024685.4 (MANE Select); coding-DNA position 1244, one base deleted (A; older notation c.1244delA).
Protein change: p.His415fs; shifts the reading frame from histidine 415.
Molecular consequence: frameshift variant.
Genome position (GRCh38, 1-based): chr12:76,346,741, T deleted on the plus strand (A on the coding strand, the reverse complement: BBS10 is on the minus strand). VCF-style (leftmost placement, unchanged base first): chr12-76346740-AT-A. GRCh37 (hg19) VCF-style: chr12-76740520-AT-A.
Other names: c.1244del, p.His415fs (LRG_1255t1); short protein forms H415fs.
Identifiers: ClinVar variation 558108 (VCV000558108.13), dbSNP rs760642305, ClinGen allele CA6694201.

ClinVar aggregate classification (germline): Pathogenic. Review status: criteria provided, multiple submitters, no conflicts (2 of 4 stars). 6 submissions from 6 submitters: Pathogenic (5). 1 of the submissions does not count toward it. Last evaluated 2025-10-14.

Conditions:
Bardet-Biedl syndrome (BBS). Identifiers: Orphanet 110, MedGen C0752166, MONDO:0015229.
BBS10-related disorder. Also called: BBS10-related condition.
Bardet-Biedl syndrome 10 (BBS10). Identifiers: Orphanet 110, MedGen C1859568, MONDO:0014438, OMIM 615987.

Allele frequency attached by ClinVar (database versions not stated): TOPMed 0.00001; gnomAD 0.00002; gnomAD exomes 0.00002 and 0.00003; ExAC 0.00005.

Submissions (6):

Natera, Inc.
Classification: Pathogenic for Bardet-Biedl syndrome type 10. Last evaluated: 2025-10-14. Review status: criteria provided, single submitter. Criteria: Natera Variant Classification Schema (03/2026). Collection method: clinical testing. Allele origin: germline.
Comment: The c.1244delA variant in BBS10 is a frameshift variant predicted to shift the reading frame beginning at codon 415 and leads to a stop codon 16 codons downstream. This variant is expected to result in nonsense mediated decay, truncation, or a dysfunctional protein product. This variant is rare in the general population with a frequency below the threshold expected for the associated phenotype(s). This variant has been observed in one or more individuals affected with the associated recessive disease, as either homozygous or compound heterozygous with a second variant (PMID: 27032803). Given the available evidence, this variant is classified as Pathogenic.

PreventionGenetics, part of Exact Sciences
Classification: Pathogenic for BBS10-related condition. Last evaluated: 2025-03-11. Review status: criteria provided, single submitter. Criteria: ACMG Guidelines, 2015. Collection method: clinical testing. Allele origin: germline.
Comment: The BBS10 c.1244delA variant is predicted to result in a frameshift and premature protein termination (p.His415Leufs*16). This variant has been reported in multiple individuals with Bardet-Biedl syndrome (supplementary data, Dennistion et al. 2014. PubMed ID: 25170860; Bravo-Gil et al. 2016. PubMed ID: 27032803). This variant is reported in 0.0062% of alleles in individuals of European (non-Finnish) descent in gnomAD. Premature stop variants in BBS10 are expected to be pathogenic. This variant is interpreted as pathogenic.

Fulgent Genetics
Classification: Pathogenic for Bardet-Biedl syndrome 10. Last evaluated: 2024-05-17. Review status: criteria provided, single submitter. Criteria: ACMG Guidelines, 2015. Collection method: clinical testing. Allele origin: germline.

Blueprint Genetics
Classification: Pathogenic for BBS10-related disorders. Last evaluated: 2024-04-10. Review status: criteria provided, single submitter. Criteria: ACMG Guidelines, 2015. Collection method: clinical testing. Allele origin: germline. Affected: yes. Observed: 2 variant alleles.

Labcorp Genetics (formerly Invitae), Labcorp
Classification: Pathogenic for Bardet-Biedl syndrome. Last evaluated: 2024-02-16. Review status: criteria provided, single submitter. Criteria: Invitae Variant Classification Sherloc (09022015). Collection method: clinical testing. Allele origin: germline.
Comment: This sequence change creates a premature translational stop signal (p.His415Leufs*16) in the BBS10 gene. While this is not anticipated to result in nonsense mediated decay, it is expected to disrupt the last 309 amino acid(s) of the BBS10 protein. This variant is present in population databases (rs760642305, gnomAD 0.006%). This premature translational stop signal has been observed in individual(s) with BBS10-related conditions (PMID: 25170860). ClinVar contains an entry for this variant (Variation ID: 558108). This variant disrupts a region of the BBS10 protein in which other variant(s) (p.Val707*) have been determined to be pathogenic (PMID: 20472660, 22773737, 25982971, 27486776). This suggests that this is a clinically significant region of the protein, and that variants that disrupt it are likely to be disease-causing. For these reasons, this variant has been classified as Pathogenic.

Counsyl
Classification: Pathogenic for Bardet-Biedl syndrome 10. Last evaluated: 2018-04-30. Review status: no assertion criteria provided. Collection method: clinical testing. Allele origin: unknown. Not counted in ClinVar's aggregate classification.

Literature cited by the submitters: PubMed 27032803 (cited by Natera, Inc. and Counsyl); PubMed 25170860 (cited by Labcorp Genetics (formerly Invitae), Labcorp and Counsyl); PubMed 20472660 (cited by Labcorp Genetics (formerly Invitae), Labcorp); PubMed 22773737 (cited by Labcorp Genetics (formerly Invitae), Labcorp); PubMed 25982971 (cited by Labcorp Genetics (formerly Invitae), Labcorp); PubMed 27486776 (cited by Labcorp Genetics (formerly Invitae), Labcorp).